The following is an entry in ClinVar:

NM_017617.5(NOTCH1):c.2937C>T (p.His979=)

Gene: NOTCH1 (notch receptor 1; minus strand). Cytogenetic location: 9q34.3.
Variant type: single nucleotide variant.
Coding change: c.2937C>T on transcript NM_017617.5 (MANE Select); coding-DNA position 2937, C replaced by T.
Protein change: p.His979=; no amino-acid change (histidine 979 retained).
Molecular consequence: synonymous variant.
Genome position (GRCh38, 1-based): chr9:136,509,765, G>A on the plus strand (C>T on the coding strand, the complement: NOTCH1 is on the minus strand). VCF-style: chr9-136509765-G-A. GRCh37 (hg19) VCF-style: chr9-139404217-G-A.
Other names: c.2937C>T (NM_017617.3).
Identifiers: ClinVar variation 1079572 (VCV001079572.12), dbSNP rs1406216361, ClinGen allele CA467716059.
Genomic context (GRCh38, chr9:136,509,765, plus strand): 5'-TCCACGGCCTCACTCGAGCCCCGCACACCTCTCTGTGCAGTCAGGCGTGTTGTTCTCACA[G>A]TGGATCCCGCTGAAGCCTGCGGGGCAGGTGCACGTGTAGCTGTCCACGCAGTCCGTGCAG-3'
Protein context (NP_060087.3, residues 969-989): CTCPAGFSGI[His979=]CENNTPDCTE

ClinVar aggregate classification (germline): Conflicting classifications of pathogenicity. Review status: criteria provided, conflicting classifications (1 of 4 stars). 3 submissions from 3 submitters: Uncertain significance (1); Likely benign (2). Last evaluated 2026-08-03.

Conditions:
Aortic valve disease 1 (AOVD1). Identifiers: MedGen C3887892, MONDO:0024523, OMIM 109730.
Adams-Oliver syndrome 5 (AOS5). Identifiers: Orphanet 974, MedGen C4014970, MONDO:0014459, OMIM 616028.
Familial thoracic aortic aneurysm and aortic dissection (TAAD). Also called: Thoracic aortic aneurysms and dissections. Identifiers: Orphanet 91387, MedGen C4707243, MONDO:0019625.

Allele frequency attached by ClinVar (database versions not stated): gnomAD exomes below 0.00001; gnomAD 0.00002; TOPMed 0.00002.
gnomAD v4.1: 6 of 1,612,962 alleles (0.00037%); highest among the groups gnomAD compares: Middle Eastern, 0.016%; no homozygotes.

Submissions (3):

Ambry Genetics
Classification: Likely benign for Familial thoracic aortic aneurysm and aortic dissection. Last evaluated: 2026-08-03. Review status: criteria provided, single submitter. Criteria: Ambry Variant Classification Scheme 2023. Collection method: clinical testing. Allele origin: germline.

Labcorp Genetics (formerly Invitae), Labcorp
Classification: Likely benign for Adams-Oliver syndrome 5. Last evaluated: 2025-03-04. Review status: criteria provided, single submitter. Criteria: Invitae Variant Classification Sherloc (09022015). Collection method: clinical testing. Allele origin: germline.

Center for Genomics, Ann and Robert H. Lurie Children's Hospital of Chicago
Classification: Uncertain significance for Adams-Oliver syndrome 5; Aortic valve disease 1. Review status: criteria provided, single submitter. Criteria: ACMG Guidelines, 2015. Collection method: clinical testing. Allele origin: germline.
Comment: NOTCH1 NM_017617.5 exon 18 p.His979= (c.2937C>T): This variant has not been reported in the literature but is present in 0.004% (3/68046) of European alleles in the Genome Aggregation Database. This variant is present in ClinVar (Variation ID:1079572). Evolutionary conservation and computational predictive tools for this variant are limited or unavailable. Of note, this variant is a silent variant and does not change the amino acid, reducing the probability that this variant is disease causing. However, data on this variant is insufficient for disease classification. Therefore, the clinical significance of this variant is uncertain.